The following is an entry in ClinVar:

ClinVar aggregate classification (germline): Pathogenic (1 of 4 stars; one submission).

Submission:

GeneDx
Classification: Pathogenic. Last evaluated: 2016-06-15. Review status: criteria provided, single submitter. Criteria: GeneDx Variant Classification (06012015). Collection method: clinical testing. Allele origin: germline. Affected: yes.
Comment: The Q51X nonsense variant in the CHD7 gene has been reported previously in association with Kallman syndrome (Laitinen et al., 2012). This pathogenic variant is predicted to cause loss of normal protein function either through protein truncation or nonsense-mediated mRNA decay. The variant was not observed in approximately 6,000 individuals of European and African American ancestry in the NHLBI Exome Sequencing Project, indicating it is not a common benign variant in these populations. Therefore, we consider this variant to be pathogenic.

NM_017780.4(CHD7):c.151C>T (p.Gln51Ter)

Gene: CHD7 (chromodomain helicase DNA binding protein 7; plus strand). Cytogenetic location: 8q12.2.
Variant type: single nucleotide variant.
Coding change: c.151C>T on transcript NM_017780.4 (MANE Select); coding-DNA position 151, C replaced by T.
Protein change: p.Gln51Ter; replaces glutamine 51 with a stop codon.
Molecular consequence: nonsense.
Genome position (GRCh38, 1-based): chr8:60,741,583, C>T. VCF-style: chr8-60741583-C-T. GRCh37 (hg19) VCF-style: chr8-61654142-C-T.
Other names: c.151C>T, p.Gln51Ter (NM_001316690.1); c.151C>T (LRG_176t1); short protein forms Q51*.
Identifiers: ClinVar variation 265398 (VCV000265398.2), dbSNP rs886039523, ClinGen allele CA10588456.
Genomic context (GRCh38, chr8:60,741,583, plus strand): 5'-GAAAATCCAGTAAATCCTATGGGTCAGCAAATGCCAATAGACCAAGGCTTTGCCTCTTTA[C>T]AGCCATCCCTTCATCATCCTTCAACTAATCAAAATCAAACAAAGCTGACACATTTTGATC-3'